The following is an entry in ClinVar:

ClinVar aggregate classification (germline): Pathogenic (1 of 4 stars; one submission).

Submission:

Labcorp Genetics (formerly Invitae), Labcorp
Classification: Pathogenic. Last evaluated: 2022-10-24. Review status: criteria provided, single submitter. Criteria: Invitae Variant Classification Sherloc (09022015). Collection method: clinical testing. Allele origin: germline.
Comment: This sequence change creates a premature translational stop signal (p.Trp316*) in the CNGA3 gene. While this is not anticipated to result in nonsense mediated decay, it is expected to disrupt the last 379 amino acid(s) of the CNGA3 protein. For these reasons, this variant has been classified as Pathogenic. This variant disrupts a region of the CNGA3 protein in which other variant(s) (p.Gln537Serfs*17) have been determined to be pathogenic (Invitae). This suggests that this is a clinically significant region of the protein, and that variants that disrupt it are likely to be disease-causing. ClinVar contains an entry for this variant (Variation ID: 1458187). This premature translational stop signal has been observed in individual(s) with hereditary cone photoreceptor disorders (PMID: 11536077). This variant is not present in population databases (gnomAD no frequency).

Literature cited by the submitters: PubMed 11536077.

NM_001298.3(CNGA3):c.947G>A (p.Trp316Ter)

Gene: CNGA3 (cyclic nucleotide gated channel subunit alpha 3; plus strand). Cytogenetic location: 2q11.2.
Variant type: single nucleotide variant.
Coding change: c.947G>A on transcript NM_001298.3 (MANE Select); coding-DNA position 947, G replaced by A.
Protein change: p.Trp316Ter; replaces tryptophan 316 with a stop codon.
Molecular consequence: nonsense.
Genome position (GRCh38, 1-based): chr2:98,396,117, G>A. VCF-style: chr2-98396117-G-A. GRCh37 (hg19) VCF-style: chr2-99012580-G-A.
Other names: c.893G>A, p.Trp298Ter (NM_001079878.2); short protein forms W298*, W316*.
Identifiers: ClinVar variation 1458187 (VCV001458187.6), dbSNP rs2104246288, ClinGen allele CA347832487.